The following is an entry in ClinVar:

ClinVar aggregate classification (germline): Uncertain significance (1 of 4 stars; one submission).

Conditions:
Joubert syndrome 22 (JBTS22). Identifiers: Orphanet 2754, MedGen C3810278, MONDO:0014297, OMIM 615665.

Allele frequency attached by ClinVar (database versions not stated): gnomAD exomes below 0.00001; TOPMed below 0.00001.
gnomAD v4.1: 4 of 1,596,738 alleles (0.00025%); highest among the groups gnomAD compares: Non-Finnish European, 0.00026%; no homozygotes.

Submission:

Labcorp Genetics (formerly Invitae), Labcorp
Classification: Uncertain significance for Joubert syndrome 22. Last evaluated: 2022-08-15. Review status: criteria provided, single submitter. Criteria: Invitae Variant Classification Sherloc (09022015). Collection method: clinical testing. Allele origin: germline.
Comment: This variant has not been reported in the literature in individuals affected with PDE6D-related conditions. This variant is present in population databases (no rsID available, gnomAD 0.0009%). This sequence change affects codon 17 of the PDE6D mRNA. It is a 'silent' change, meaning that it does not change the encoded amino acid sequence of the PDE6D protein. It affects a nucleotide within the consensus splice site. ClinVar contains an entry for this variant (Variation ID: 1485922). In summary, the available evidence is currently insufficient to determine the role of this variant in disease. Therefore, it has been classified as a Variant of Uncertain Significance. Algorithms developed to predict the effect of sequence changes on RNA splicing suggest that this variant is not likely to affect RNA splicing.

NM_002601.4(PDE6D):c.51A>C (p.Leu17=)

Gene: PDE6D (phosphodiesterase 6D; minus strand). Cytogenetic location: 2q37.1.
Variant type: single nucleotide variant.
Coding change: c.51A>C on transcript NM_002601.4 (MANE Select); coding-DNA position 51, A replaced by C.
Protein change: p.Leu17=; no amino-acid change (leucine 17 retained).
Molecular consequence: synonymous variant.
Genome position (GRCh38, 1-based): chr2:231,739,188, T>G on the plus strand (A>C on the coding strand, the complement: PDE6D is on the minus strand). VCF-style: chr2-231739188-T-G. GRCh37 (hg19) VCF-style: chr2-232603898-T-G.
Other names: c.51A>C, p.Leu17= (NM_001291018.2).
Identifiers: ClinVar variation 1485922 (VCV001485922.8), dbSNP rs1328575509, ClinGen allele CA431769804.